The following is an entry in ClinVar:

ClinVar aggregate classification (germline): Uncertain significance (1 of 4 stars; one submission).

Conditions:
Agammaglobulinemia 2, autosomal recessive (AGM2). Also called: AGAMMAGLOBULINEMIA, AUTOSOMAL RECESSIVE, DUE TO IGLL1 DEFECT. Identifiers: MedGen C3150750, MONDO:0013287, OMIM 613500.

gnomAD v4.1: 21 of 1,613,908 alleles (0.0013%); highest among the groups gnomAD compares: Non-Finnish European, 0.0017%; no homozygotes.

Submission:

Labcorp Genetics (formerly Invitae), Labcorp
Classification: Uncertain significance for Agammaglobulinemia 2, autosomal recessive. Last evaluated: 2024-12-27. Review status: criteria provided, single submitter. Criteria: Invitae Variant Classification Sherloc (09022015). Collection method: clinical testing. Allele origin: germline.
Comment: This sequence change replaces proline, which is neutral and non-polar, with leucine, which is neutral and non-polar, at codon 165 of the IGLL1 protein (p.Pro165Leu). This variant is present in population databases (no rsID available, gnomAD 0.002%). This variant has not been reported in the literature in individuals affected with IGLL1-related conditions. An algorithm developed to predict the effect of missense changes on protein structure and function (PolyPhen-2) suggests that this variant is likely to be disruptive. In summary, the available evidence is currently insufficient to determine the role of this variant in disease. Therefore, it has been classified as a Variant of Uncertain Significance.

NM_020070.4(IGLL1):c.494C>T (p.Pro165Leu)

Gene: IGLL1 (immunoglobulin lambda like polypeptide 1; minus strand). Cytogenetic location: 22q11.23.
Variant type: single nucleotide variant.
Coding change: c.494C>T on transcript NM_020070.4 (MANE Select); coding-DNA position 494, C replaced by T.
Protein change: p.Pro165Leu; replaces proline 165 with leucine.
Molecular consequence: missense variant. On other transcripts: 3 prime UTR variant (1).
Genome position (GRCh38, 1-based): chr22:23,573,414, G>A on the plus strand (C>T on the coding strand, the complement: IGLL1 is on the minus strand). VCF-style: chr22-23573414-G-A. GRCh37 (hg19) VCF-style: chr22-23915601-G-A.
Other names: c.497C>T, p.Pro166Leu (NM_001369906.1); c.*123C>T (NM_152855.3); short protein forms P165L, P166L.
Identifiers: ClinVar variation 3605799 (VCV003605799.2).